The following is an entry in ClinVar:

NM_138694.4(PKHD1):c.3082A>T (p.Arg1028Ter)

Gene: PKHD1 (PKHD1 ciliary IPT domain containing fibrocystin/polyductin; minus strand). Cytogenetic location: 6p12.2.
Variant type: single nucleotide variant.
Coding change: c.3082A>T on transcript NM_138694.4 (MANE Select); coding-DNA position 3082, A replaced by T.
Protein change: p.Arg1028Ter; replaces arginine 1028 with a stop codon.
Molecular consequence: nonsense.
Genome position (GRCh38, 1-based): chr6:52,042,874, T>A on the plus strand (A>T on the coding strand, the complement: PKHD1 is on the minus strand). VCF-style: chr6-52042874-T-A. GRCh37 (hg19) VCF-style: chr6-51907672-T-A.
Other names: c.3082A>T, p.Arg1028Ter (NM_170724.3); short protein forms R1028*.
Identifiers: ClinVar variation 1725848 (VCV001725848.2), dbSNP rs2533041363, ClinGen allele CA364441936.
Genomic context (GRCh38, chr6:52,042,874, plus strand): 5'-TAGCTTCAGAGGGTCAGACATACTGTGAGACCCTCCCCAGATTACCAATATCCGCAGCTC[T>A]GGAAGGCTCCACCATATCCAGTCTAGGTTTCACATTTAGGAAGAGGTCTTCTCCAGTGGC-3'

ClinVar aggregate classification (germline): Likely pathogenic (1 of 4 stars; one submission).

Conditions:
Polycystic kidney disease 4 (PKD4). Also called: POLYCYSTIC KIDNEY AND HEPATIC DISEASE 1; POLYCYSTIC KIDNEY DISEASE, INFANTILE, TYPE I; POLYCYSTIC KIDNEY DISEASE 4 WITH OR WITHOUT POLYCYSTIC LIVER DISEASE; PKD3; Autosomal Recessive Polycystic Kidney Disease – PKHD1. Identifiers: MedGen C4540575, MONDO:0033004, OMIM 263200.

Submission:

Myriad Genetics, Inc.
Classification: Likely pathogenic for Polycystic kidney disease 4. Last evaluated: 2022-04-04. Review status: criteria provided, single submitter. Criteria: Myriad Women's Health Autosomal Recessive and X-Linked Classification Criteria (2021). Collection method: clinical testing. Allele origin: unknown.
Comment: NM_138694.3(PKHD1):c.3082A>T(R1028*) is expected to be pathogenic in the context of autosomal recessive polycystic kidney disease, PKHD1-related. This variant is predicted to lead to an abnormal or absent protein product due to the creation of a premature termination codon in PKHD1, a gene where loss-of-function variants are known to be pathogenic. Please note: this variant was assessed in the context of healthy population screening.